The following is an entry in ClinVar:

NM_178857.6(RP1L1):c.4088GAG[1] (p.Gly1364del)

Gene: RP1L1 (RP1 like 1). Cytogenetic location: 8p23.1.
Variant type: Microsatellite.
Coding change: c.4088GAG[1] on transcript NM_178857.6 (MANE Select); one copy of the 3-base unit GAG starting at c.4088.
Protein change: p.Gly1364del; deletes glycine 1364.
Molecular consequence: inframe deletion.
Genome position: GRCh38 VCF-style: chr8-10610004-TCTC-T. GRCh37 (hg19) VCF-style: chr8-10467514-TCTC-T.
Other names: short protein forms G1364del.
Identifiers: ClinVar variation 361285 (VCV000361285.22), dbSNP rs886062578, ClinGen allele CA4624131.

ClinVar aggregate classification (germline): Uncertain significance. Review status: criteria provided, multiple submitters, no conflicts (2 of 4 stars). 2 submissions from 2 submitters: Uncertain significance (2). Last evaluated 2024-08-01.

Submissions (2):

CeGaT Center for Human Genetics Tuebingen
Classification: Uncertain significance. Last evaluated: 2024-08-01. Review status: criteria provided, single submitter. Criteria: CeGaT Center For Human Genetics Tuebingen Variant Classification Criteria Version 2. Collection method: clinical testing. Allele origin: germline. Affected: yes. Observed: 1 variant allele.
Comment: RP1L1: PM2

Blueprint Genetics
Classification: Uncertain significance. Last evaluated: 2024-05-30. Review status: criteria provided, single submitter. Criteria: ACMG Guidelines, 2015. Collection method: clinical testing. Allele origin: germline.